The following is an entry in ClinVar:

ClinVar aggregate classification (germline): Uncertain significance (1 of 4 stars; one submission).

Allele frequency attached by ClinVar (database versions not stated): gnomAD exomes below 0.00001 and 0.00001; ExAC 0.00001; TOPMed 0.00001; gnomAD 0.00002; ESP Exome Variant Server 0.00008.
gnomAD v4.1: 10 of 1,612,568 alleles (0.00062%); highest among the groups gnomAD compares: African/African-American, 0.0027%; no homozygotes.

Submission:

GeneDx
Classification: Uncertain significance. Last evaluated: 2021-02-01. Review status: criteria provided, single submitter. Criteria: GeneDx Variant Classification Process June 2021. Collection method: clinical testing. Allele origin: germline. Affected: yes.
Comment: In silico analysis supports that this missense variant does not alter protein structure/function; In-silico analysis is inconclusive as to whether the variant alters gene splicing. In the absence of RNA/functional studies, the actual effect of this sequence change is unknown.; Has not been previously published as pathogenic or benign to our knowledge

NM_001329943.3(KIAA0586):c.-5A>G

Gene: KIAA0586 (KIAA0586; plus strand). Cytogenetic location: 14q23.1.
Variant type: single nucleotide variant.
Coding change: c.-5A>G on transcript NM_001329943.3 (MANE Select); 5 bases upstream of the start codon, A replaced by G.
Molecular consequence: 5 prime UTR variant. On other transcripts: missense variant (1), intron variant (6).
Genome position (GRCh38, 1-based): chr14:58,428,260, A>G. VCF-style: chr14-58428260-A-G. GRCh37 (hg19) VCF-style: chr14-58894978-A-G.
Other names: c.32A>G, p.Asn11Ser (NM_001244189.2); c.-5A>G (NM_001329944.2, NM_001329946.2, NM_001329947.2 and 1 more transcripts); c.-38-12A>G (NM_001244190.2); c.-57+623A>G (NM_001244192.2, NM_001244191.2); c.-57+447A>G (NM_001364701.2, NM_001329945.2, NM_001364700.1); short protein forms N11S.
Identifiers: ClinVar variation 1193220 (VCV001193220.2), dbSNP rs372615752, ClinGen allele CA7205238.